The following is an entry in ClinVar:

ClinVar aggregate classification (germline): Conflicting classifications of pathogenicity. Review status: criteria provided, conflicting classifications (1 of 4 stars). 2 submissions from 2 submitters: Uncertain significance (1); Likely benign (1). Last evaluated 2023-09-19.

Conditions:
Hereditary cancer-predisposing syndrome. Also called: Neoplastic Syndromes, Hereditary; Hereditary Cancer Syndrome; Hereditary neoplastic syndrome; Tumor predisposition. Identifiers: Orphanet 140162, MedGen C0027672, MeSH D009386, MONDO:0015356.
Hereditary breast ovarian cancer syndrome. Also called: Hereditary breast and ovarian cancer syndrome; Hereditary breast and/or ovarian cancer syndrome; BRCA1- and BRCA2-Associated Hereditary Breast and Ovarian Cancer; Hereditary breast and ovarian cancer syndrome (HBOC); Hereditary breast and ovarian cancer; Breast and ovarian cancer. Identifiers: Orphanet 145, MedGen C0677776, MeSH D061325, MONDO:0003582. Disease mechanism: loss of function.

Submissions (2):

Labcorp Genetics (formerly Invitae), Labcorp
Classification: Uncertain significance for Hereditary breast ovarian cancer syndrome. Last evaluated: 2023-09-19. Review status: criteria provided, single submitter. Criteria: Invitae Variant Classification Sherloc (09022015). Collection method: clinical testing. Allele origin: germline.
Comment: In summary, the available evidence is currently insufficient to determine the role of this variant in disease. Therefore, it has been classified as a Variant of Uncertain Significance. Advanced modeling of protein sequence and biophysical properties (such as structural, functional, and spatial information, amino acid conservation, physicochemical variation, residue mobility, and thermodynamic stability) performed at Invitae indicates that this missense variant is not expected to disrupt BRCA2 protein function. ClinVar contains an entry for this variant (Variation ID: 2046825). This variant has not been reported in the literature in individuals affected with BRCA2-related conditions. This variant is not present in population databases (gnomAD no frequency). This sequence change replaces glutamic acid, which is acidic and polar, with valine, which is neutral and non-polar, at codon 335 of the BRCA2 protein (p.Glu335Val).

University of Washington Department of Laboratory Medicine, University of Washington
Classification: Likely benign for Hereditary cancer-predisposing syndrome. Last evaluated: 2023-03-23. Review status: criteria provided, single submitter. Criteria: Dines et al. (Genet Med. 2020). Collection method: curation. Allele origin: germline.
Comment: Missense variant in a coldspot region where missense variants are very unlikely to be pathogenic (PMID:31911673).

BRCA2 exon 10 coldspot. Reclassification based on statistical prior probability.

NM_000059.4(BRCA2):c.1004A>T (p.Glu335Val)

Gene: BRCA2 (BRCA2 DNA repair associated; plus strand). Cytogenetic location: 13q13.1.
Variant type: single nucleotide variant.
Coding change: c.1004A>T on transcript NM_000059.4 (MANE Select); coding-DNA position 1004, A replaced by T.
Protein change: p.Glu335Val; replaces glutamic acid 335 with valine.
Molecular consequence: missense variant.
Genome position (GRCh38, 1-based): chr13:32,332,482, A>T. VCF-style: chr13-32332482-A-T. GRCh37 (hg19) VCF-style: chr13-32906619-A-T.
Other names: c.1004A>T, p.Glu335Val (NM_001406719.1, NM_001406720.1, NM_001406721.1); short protein forms E335V.
Identifiers: ClinVar variation 2046825 (VCV002046825.6), dbSNP rs1566222581, ClinGen allele CA387761069.